The following is an entry in ClinVar:

ClinVar aggregate classification (germline): Uncertain significance. Review status: criteria provided, multiple submitters, no conflicts (2 of 4 stars). 3 submissions from 3 submitters: Uncertain significance (3). Last evaluated 2024-07-30.

Conditions:
Inborn genetic diseases. Identifiers: MedGen C0950123, MeSH D030342.

Allele frequency attached by ClinVar (database versions not stated): gnomAD exomes 0.00004 and 0.00014; ExAC 0.00017; 1000 Genomes Project 0.00020; 1000 Genomes Project 30x 0.00031; ESP Exome Variant Server 0.00033; TOPMed 0.00043; gnomAD 0.00046 and 0.00052.

Submissions (3):

Ambry Genetics
Classification: Uncertain significance for Inborn genetic diseases. Last evaluated: 2024-07-30. Review status: criteria provided, single submitter. Criteria: Ambry Variant Classification Scheme 2023. Collection method: clinical testing. Allele origin: germline.

Labcorp Genetics (formerly Invitae), Labcorp
Classification: Uncertain significance. Last evaluated: 2023-11-28. Review status: criteria provided, single submitter. Criteria: Invitae Variant Classification Sherloc (09022015). Collection method: clinical testing. Allele origin: germline.
Comment: This sequence change replaces threonine, which is neutral and polar, with alanine, which is neutral and non-polar, at codon 1606 of the GPR179 protein (p.Thr1606Ala). This variant is present in population databases (rs375897707, gnomAD 0.2%). This variant has not been reported in the literature in individuals affected with GPR179-related conditions. ClinVar contains an entry for this variant (Variation ID: 1474341). Algorithms developed to predict the effect of missense changes on protein structure and function output the following: SIFT: "Not Available"; PolyPhen-2: "Benign"; Align-GVGD: "Not Available". The alanine amino acid residue is found in multiple mammalian species, which suggests that this missense change does not adversely affect protein function. In summary, the available evidence is currently insufficient to determine the role of this variant in disease. Therefore, it has been classified as a Variant of Uncertain Significance.

Breakthrough Genomics
Classification: Uncertain significance. Review status: criteria provided, single submitter. Criteria: ACMG Guidelines, 2015. Collection method: not provided. Allele origin: germline. Inheritance: Autosomal recessive inheritance. Affected: yes.

NM_001004334.4(GPR179):c.4816A>G (p.Thr1606Ala)

Gene: GPR179 (G protein-coupled receptor 179; minus strand). Cytogenetic location: 17q12.
Variant type: single nucleotide variant.
Coding change: c.4816A>G on transcript NM_001004334.4 (MANE Select); coding-DNA position 4816, A replaced by G.
Protein change: p.Thr1606Ala; replaces threonine 1606 with alanine.
Molecular consequence: missense variant.
Genome position (GRCh38, 1-based): chr17:38,328,753, T>C on the plus strand (A>G on the coding strand, the complement: GPR179 is on the minus strand). VCF-style: chr17-38328753-T-C. GRCh37 (hg19) VCF-style: chr17-36484636-T-C.
Other names: c.4816A>G (NM_001004334.2); short protein forms T1606A.
Identifiers: ClinVar variation 1474341 (VCV001474341.6), dbSNP rs375897707, ClinGen allele CA290103909.